The following is an entry in ClinVar:

ClinVar aggregate classification (germline): Uncertain significance (1 of 4 stars; one submission).

Conditions:
Frontotemporal dementia (FTD1). Also called: Frontotemporal lobe dementia (FLDEM); Dementia, frontotemporal, with or without parkinsonism; WILHELMSEN-LYNCH DISEASE; Frontotemporal Dementia with Parkinsonism-17 (FTDP-17); FRONTOTEMPORAL DEMENTIA WITH PARKINSONISM; FRONTOTEMPORAL LOBE DEMENTIA. Identifiers: Orphanet 282, MedGen C0338451, MONDO:0017276, OMIM 600274, HP:0002145.
Pick disease. Also called: PICK DISEASE OF BRAIN; Pick's disease; Pick Disease of the Brain; DEMENTIA WITH LOBAR ATROPHY AND NEURONAL CYTOPLASMIC INCLUSIONS; LOBAR ATROPHY OF BRAIN. Identifiers: Orphanet 282, MedGen C0236642, MONDO:0008243, OMIM 172700.
Acne inversa, familial, 3 (ACNINV3). Identifiers: MedGen C3151038, MONDO:0013398, OMIM 613737.
Alzheimer disease 3 (AD3). Also called: ALZHEIMER DISEASE, FAMILIAL, 3. Identifiers: Orphanet 1020, MedGen C1843013, MONDO:0011913, OMIM 607822.

Allele frequency attached by ClinVar (database versions not stated): gnomAD exomes 0.00001.
gnomAD v4.1: 10 of 1,613,376 alleles (0.00062%); highest among the groups gnomAD compares: Non-Finnish European, 0.00085%; no homozygotes.

Submission:

Labcorp Genetics (formerly Invitae), Labcorp
Classification: Uncertain significance for Alzheimer disease 3; Pick disease; Acne inversa, familial, 3; Frontotemporal dementia. Last evaluated: 2021-10-20. Review status: criteria provided, single submitter. Criteria: Invitae Variant Classification Sherloc (09022015). Collection method: clinical testing. Allele origin: germline.
Comment: This variant is not present in population databases (ExAC no frequency). This variant has not been reported in the literature in individuals affected with PSEN1-related conditions. Variants that disrupt the consensus splice site are a relatively common cause of aberrant splicing (PMID: 17576681, 9536098). Algorithms developed to predict the effect of sequence changes on RNA splicing suggest that this variant may disrupt the consensus splice site. In summary, the available evidence is currently insufficient to determine the role of this variant in disease. Therefore, it has been classified as a Variant of Uncertain Significance. This sequence change falls in intron 8 of the PSEN1 gene. It does not directly change the encoded amino acid sequence of the PSEN1 protein. It affects a nucleotide within the consensus splice site.

Literature cited by the submitters: PubMed 17576681; PubMed 9536098.

NM_000021.4(PSEN1):c.869-3C>A

Gene: PSEN1 (presenilin 1; plus strand). Cytogenetic location: 14q24.2.
Variant type: single nucleotide variant.
Coding change: c.869-3C>A on transcript NM_000021.4 (MANE Select); 3 bases into the intron before coding-DNA position 869, C replaced by A.
Molecular consequence: intron variant.
Genome position (GRCh38, 1-based): chr14:73,206,383, C>A. VCF-style: chr14-73206383-C-A. GRCh37 (hg19) VCF-style: chr14-73673091-C-A.
Other names: c.857-3C>A (NM_007318.3).
Identifiers: ClinVar variation 1388051 (VCV001388051.6), dbSNP rs2140125016, ClinGen allele CA2573150144.